The following is an entry in ClinVar:

ClinVar aggregate classification (germline): Likely pathogenic (1 of 4 stars; one submission).

Conditions:
NRAP-related disorder. Also called: NRAP-related condition.

Submission:

PreventionGenetics, part of Exact Sciences
Classification: Likely pathogenic for NRAP-related condition. Last evaluated: 2026-06-29. Review status: criteria provided, single submitter. Criteria: ACMG Guidelines, 2015. Collection method: clinical testing. Allele origin: germline.
Comment: The NRAP c.1803delG variant is predicted to result in a frameshift and premature protein termination (p.Arg601Serfs*11). To our knowledge, this variant has not been reported in the literature or in a large population database (gnomAD), indicating this variant is rare. Frameshift variants in NRAP are expected to be pathogenic. This variant is interpreted as likely pathogenic.

NM_198060.4(NRAP):c.1803del (p.Arg601fs)

Gene: NRAP (nebulin related anchoring protein; minus strand). Cytogenetic location: 10q25.3.
Variant type: Deletion.
Coding change: c.1803del on transcript NM_198060.4 (MANE Select); coding-DNA position 1803, one base deleted (G; older notation c.1803delG).
Protein change: p.Arg601fs; shifts the reading frame from arginine 601.
Molecular consequence: frameshift variant.
Genome position (GRCh38, 1-based): chr10:113,631,548, C deleted on the plus strand (G on the coding strand, the reverse complement: NRAP is on the minus strand); the first of 2 consecutive C bases (chr10:113,631,548-113,631,549); deleting either gives the same sequence. VCF-style (leftmost placement, unchanged base first): chr10-113631547-GC-G. GRCh37 (hg19) VCF-style: chr10-115391306-GC-G.
Other names: c.1803del, p.Arg601fs (NM_001261463.2, NM_001322945.2); c.1698del, p.Arg566fs (NM_006175.5); short protein forms R566fs, R601fs.
Identifiers: ClinVar variation 4993928 (VCV004993928.1).